The following is an entry in ClinVar:

ClinVar aggregate classification (germline): Likely benign. Review status: criteria provided, multiple submitters, no conflicts (2 of 4 stars). 3 submissions from 3 submitters: Likely benign (2). 1 of the submissions does not count toward it. Last evaluated 2025-10-10.

Conditions:
EHMT1-related disorder. Also called: EHMT1-related condition.
Kleefstra syndrome 1 (KLEFS1). Identifiers: Orphanet 261494, MedGen C0795833, MONDO:0027407, OMIM 610253.

Allele frequency attached by ClinVar (database versions not stated): ExAC 0.00004; gnomAD 0.00005 and 0.00006; TOPMed 0.00005; ESP Exome Variant Server 0.00008; gnomAD exomes 0.00004.
gnomAD v4.1: 115 of 1,613,946 alleles (0.0071%); highest among the groups gnomAD compares: Non-Finnish European, 0.0094%; no homozygotes.

Submissions (3):

Labcorp Genetics (formerly Invitae), Labcorp
Classification: Likely benign for Kleefstra syndrome 1. Last evaluated: 2025-10-10. Review status: criteria provided, single submitter. Criteria: Invitae Variant Classification Sherloc (09022015). Collection method: clinical testing. Allele origin: germline.

GeneDx
Classification: Likely benign. Last evaluated: 2020-04-08. Review status: criteria provided, single submitter. Criteria: GeneDx Variant Classification Process June 2021. Collection method: clinical testing. Allele origin: germline. Affected: yes.

PreventionGenetics, part of Exact Sciences
Classification: Likely benign for EHMT1-related condition. Last evaluated: 2024-05-24. Review status: no assertion criteria provided. Collection method: clinical testing. Allele origin: germline. Not counted in ClinVar's aggregate classification.
Comment: This variant is classified as likely benign based on ACMG/AMP sequence variant interpretation guidelines (Richards et al. 2015 PMID: 25741868, with internal and published modifications).

NM_024757.5(EHMT1):c.3375-8T>A

Gene: EHMT1 (euchromatic histone lysine methyltransferase 1; plus strand). Cytogenetic location: 9q34.3.
Variant type: single nucleotide variant.
Coding change: c.3375-8T>A on transcript NM_024757.5 (MANE Select); 8 bases into the intron before coding-DNA position 3375, T replaced by A.
Molecular consequence: intron variant.
Genome position (GRCh38, 1-based): chr9:137,817,431, T>A. VCF-style: chr9-137817431-T-A. GRCh37 (hg19) VCF-style: chr9-140711883-T-A.
Other names: c.3354-8T>A (NM_001354263.2).
Identifiers: ClinVar variation 753769 (VCV000753769.14), dbSNP rs371179697, ClinGen allele CA5375295.